The following is an entry in ClinVar:

ClinVar aggregate classification (germline): Uncertain significance (1 of 4 stars; one submission).

Conditions:
Long QT syndrome (LQTS). Identifiers: MedGen C0023976, MeSH D008133, MONDO:0002442. Disease mechanism: loss of function. Inheritance: Various modes of inheritance.

gnomAD v4.1: 1 of 1,613,392 alleles (0.000062%); highest among the groups gnomAD compares: Non-Finnish European, 0.000085%; no homozygotes.

Submission:

Labcorp Genetics (formerly Invitae), Labcorp
Classification: Uncertain significance for Long QT syndrome. Last evaluated: 2018-07-13. Review status: criteria provided, single submitter. Criteria: Invitae Variant Classification Sherloc (09022015). Collection method: clinical testing. Allele origin: germline.
Comment: This sequence change replaces aspartic acid with tyrosine at codon 920 of the AKAP9 protein (p.Asp920Tyr). The aspartic acid residue is weakly conserved and there is a large physicochemical difference between aspartic acid and tyrosine. This variant is not present in population databases (ExAC no frequency). This variant has not been reported in the literature in individuals with AKAP9-related disease. Algorithms developed to predict the effect of missense changes on protein structure and function are either unavailable or do not agree on the potential impact of this missense change (SIFT: "Deleterious"; PolyPhen-2: "Probably Damaging"; Align-GVGD: "Class C0"). In summary, the available evidence is currently insufficient to determine the role of this variant in disease. Therefore, it has been classified as a Variant of Uncertain Significance.

NM_005751.5(AKAP9):c.2758G>T (p.Asp920Tyr)

Gene: AKAP9 (A-kinase anchoring protein 9; plus strand). Cytogenetic location: 7q21.2.
Variant type: single nucleotide variant.
Coding change: c.2758G>T on transcript NM_005751.5 (MANE Select); coding-DNA position 2758, G replaced by T.
Protein change: p.Asp920Tyr; replaces aspartic acid 920 with tyrosine.
Molecular consequence: missense variant.
Genome position (GRCh38, 1-based): chr7:92,002,675, G>T. VCF-style: chr7-92002675-G-T. GRCh37 (hg19) VCF-style: chr7-91631989-G-T.
Other names: c.2758G>T, p.Asp920Tyr (NM_147185.3); short protein forms D920Y.
Identifiers: ClinVar variation 663166 (VCV000663166.8), dbSNP rs1584044970, ClinGen allele CA368124866.
Genomic context (GRCh38, chr7:92,002,675, plus strand): 5'-CTTCATTTGCAAAGAATAAATCCAACTACAGTGAAAATGAAAAGTTCTGTCTTTGATGAA[G>T]ACAAAACTTTTGTAGCAGAAACATTGGAAATGGGTGAGGTTGTTGAAAAGGATACAACAG-3'
Protein context (NP_005742.4, residues 910-930): VKMKSSVFDE[Asp920Tyr]KTFVAETLEM